The following is an entry in ClinVar:

NM_015450.3(POT1):c.1844G>C (p.Gly615Ala)

Gene: POT1 (protection of telomeres 1; minus strand). Cytogenetic location: 7q31.33.
Variant type: single nucleotide variant.
Coding change: c.1844G>C on transcript NM_015450.3 (MANE Select); coding-DNA position 1844, G replaced by C.
Protein change: p.Gly615Ala; replaces glycine 615 with alanine.
Molecular consequence: missense variant. On other transcripts: non-coding transcript variant (3).
Genome position (GRCh38, 1-based): chr7:124,824,023, C>G on the plus strand (G>C on the coding strand, the complement: POT1 is on the minus strand). VCF-style: chr7-124824023-C-G. GRCh37 (hg19) VCF-style: chr7-124464077-C-G.
Other names: c.1451G>C, p.Gly484Ala (NM_001042594.2); short protein forms G484A, G615A.
Identifiers: ClinVar variation 960944 (VCV000960944.10), dbSNP rs1794570589, ClinGen allele CA369061180.

ClinVar aggregate classification (germline): Uncertain significance (1 of 4 stars; one submission).

Conditions:
Tumor predisposition syndrome 3 (TPDS3). Also called: Melanoma, cutaneous malignant, susceptibility to, 10; Glioma susceptibility 9; LONG TELOMERE SYNDROME, POT1-RELATED; POT1 Tumor Predisposition. Identifiers: Orphanet 618, MedGen C4014476, MONDO:0014368, OMIM 615848.

Submission:

Labcorp Genetics (formerly Invitae), Labcorp
Classification: Uncertain significance for Tumor predisposition syndrome 3. Last evaluated: 2019-09-23. Review status: criteria provided, single submitter. Criteria: Invitae Variant Classification Sherloc (09022015). Collection method: clinical testing. Allele origin: germline.
Comment: This sequence change replaces glycine with alanine at codon 615 of the POT1 protein (p.Gly615Ala). The glycine residue is highly conserved and there is a small physicochemical difference between glycine and alanine. This variant is not present in population databases (ExAC no frequency). This variant has not been reported in the literature in individuals with POT1-related conditions. Algorithms developed to predict the effect of missense changes on protein structure and function are either unavailable or do not agree on the potential impact of this missense change (SIFT: "Deleterious"; PolyPhen-2: "Benign"; Align-GVGD: "Class C55"). In summary, the available evidence is currently insufficient to determine the role of this variant in disease. Therefore, it has been classified as a Variant of Uncertain Significance.